The following is an entry in ClinVar:

NM_001042492.3(NF1):c.7472C>T (p.Thr2491Ile)

Gene: NF1 (neurofibromin 1; plus strand). Cytogenetic location: 17q11.2.
Variant type: single nucleotide variant.
Coding change: c.7472C>T on transcript NM_001042492.3 (MANE Select); coding-DNA position 7472, C replaced by T.
Protein change: p.Thr2491Ile; replaces threonine 2491 with isoleucine.
Molecular consequence: missense variant.
Genome position (GRCh38, 1-based): chr17:31,352,271, C>T. VCF-style: chr17-31352271-C-T. GRCh37 (hg19) VCF-style: chr17-29679289-C-T.
Other names: c.7409C>T, p.Thr2470Ile (NM_000267.4); short protein forms T2491I, T2470I.
Identifiers: ClinVar variation 1461338 (VCV001461338.10), dbSNP rs2151576935, ClinGen allele CA399017441.

ClinVar aggregate classification (germline): Uncertain significance. Review status: criteria provided, multiple submitters, no conflicts (2 of 4 stars). 3 submissions from 3 submitters: Uncertain significance (3). Last evaluated 2024-03-27.

Conditions:
Neurofibromatosis, type 1 (NF1). Also called: NEUROFIBROMATOSIS, TYPE I, SOMATIC; VON RECKLINGHAUSEN DISEASE; Peripheral type neurofibromatosis; Neurofibromatosis, type I. Identifiers: Orphanet 636, MedGen C0027831, MONDO:0018975, OMIM 162200. Disease mechanism: loss of function.
Café-au-lait macules with pulmonary stenosis (WTSN). Also called: PULMONIC STENOSIS WITH CAFE-AU-LAIT SPOTS. Identifiers: MedGen C0553586, MONDO:0008672, OMIM 193520.
Juvenile myelomonocytic leukemia (JMML). Also called: LEUKEMIA, JUVENILE MYELOMONOCYTIC, SOMATIC. Identifiers: Orphanet 86834, MedGen C0349639, MONDO:0011908, OMIM 607785, HP:0012209.
Neurofibromatosis, familial spinal (FSNF). Identifiers: Orphanet 636, MedGen C1834235, MONDO:0008078, OMIM 162210. Disease mechanism: loss of function.
Neurofibromatosis-Noonan syndrome (NFNS). Also called: NEUROFIBROMATOSIS WITH NOONAN PHENOTYPE. Identifiers: Orphanet 638, MedGen C2931482, MONDO:0011035, OMIM 601321. Disease mechanism: loss of function.

Submissions (3):

GeneDx
Classification: Uncertain significance. Last evaluated: 2024-03-27. Review status: criteria provided, single submitter. Criteria: GeneDx Variant Classification Process June 2021. Collection method: clinical testing. Allele origin: germline. Affected: yes.
Comment: Not observed at significant frequency in large population cohorts (gnomAD); In silico analysis supports that this missense variant does not alter protein structure/function; Has not been previously published as pathogenic or benign to our knowledge; This variant is associated with the following publications: (PMID: 25486365)

Fulgent Genetics
Classification: Uncertain significance for Neurofibromatosis, type 1; Neurofibromatosis, familial spinal; Café-au-lait macules with pulmonary stenosis; Neurofibromatosis-Noonan syndrome; Juvenile myelomonocytic leukemia. Last evaluated: 2024-03-07. Review status: criteria provided, single submitter. Criteria: ACMG Guidelines, 2015. Collection method: clinical testing. Allele origin: germline.

Labcorp Genetics (formerly Invitae), Labcorp
Classification: Uncertain significance for Neurofibromatosis, type 1. Last evaluated: 2021-01-20. Review status: criteria provided, single submitter. Criteria: Invitae Variant Classification Sherloc (09022015). Collection method: clinical testing. Allele origin: germline.
Comment: This sequence change replaces threonine with isoleucine at codon 2470 of the NF1 protein (p.Thr2470Ile). The threonine residue is weakly conserved and there is a moderate physicochemical difference between threonine and isoleucine. This variant is not present in population databases (ExAC no frequency). This variant has not been reported in the literature in individuals with NF1-related conditions. Advanced modeling of protein sequence and biophysical properties (such as structural, functional, and spatial information, amino acid conservation, physicochemical variation, residue mobility, and thermodynamic stability) performed at Invitae indicates that this missense variant is not expected to disrupt NF1 protein function. In summary, the available evidence is currently insufficient to determine the role of this variant in disease. Therefore, it has been classified as a Variant of Uncertain Significance.